The following is an entry in ClinVar:

NM_004006.3(DMD):c.5652del (p.Arg1884fs)

Gene: DMD (dystrophin; minus strand). Cytogenetic location: Xp21.1.
Variant type: Deletion.
Coding change: c.5652del on transcript NM_004006.3 (MANE Select); coding-DNA position 5652, one base deleted (G; older notation c.5652delG).
Protein change: p.Arg1884fs; shifts the reading frame from arginine 1884.
Molecular consequence: frameshift variant.
Genome position (GRCh38, 1-based): chrX:32,343,221, C deleted on the plus strand (G on the coding strand, the reverse complement: DMD is on the minus strand); the first of 2 consecutive C bases (chrX:32,343,221-32,343,222); deleting either gives the same sequence. VCF-style (leftmost placement, unchanged base first): chrX-32343220-GC-G. GRCh37 (hg19) VCF-style: chrX-32361337-GC-G.
Other names: c.5628del, p.Arg1876fs (NM_000109.4); c.5640del, p.Arg1880fs (NM_004009.3); c.5283del, p.Arg1761fs (NM_004010.3); c.1629del, p.Arg543fs (NM_004011.4); c.1620del, p.Arg540fs (NM_004012.4); c.5652delG (NM_004006.2); short protein forms R1884fs, R543fs, R1761fs, R540fs, R1876fs, R1880fs.
Identifiers: ClinVar variation 374319 (VCV000374319.2), dbSNP rs1057518692, ClinGen allele CA16043707.

ClinVar aggregate classification (germline): Pathogenic (0 of 4 stars; one submission).

Conditions:
Duchenne muscular dystrophy (DMD). Also called: MUSCULAR DYSTROPHY, PSEUDOHYPERTROPHIC PROGRESSIVE, DUCHENNE TYPE; Duchenne Muscular Dystrophy (DMD). Identifiers: Orphanet 98896, MedGen C0013264, MONDO:0010679, OMIM 310200.

Submission:

Baylor Genetics
Classification: Pathogenic for Duchenne muscular dystrophy. Last evaluated: 2015-02-05. Review status: no assertion criteria provided. Collection method: clinical testing. Allele origin: maternal. Inheritance: X-linked inheritance. Affected: yes. Observed: 1 variant allele, 1 hemizygote.